The following is an entry in ClinVar:

NM_004341.5(CAD):c.3451A>G (p.Ile1151Val)

Gene: CAD (carbamoyl-phosphate synthetase 2, aspartate transcarbamylase, and dihydroorotase; plus strand). Cytogenetic location: 2p23.3.
Variant type: single nucleotide variant.
Coding change: c.3451A>G on transcript NM_004341.5 (MANE Select); coding-DNA position 3451, A replaced by G.
Protein change: p.Ile1151Val; replaces isoleucine 1151 with valine.
Molecular consequence: missense variant.
Genome position (GRCh38, 1-based): chr2:27,234,059, A>G. VCF-style: chr2-27234059-A-G. GRCh37 (hg19) VCF-style: chr2-27456927-A-G.
Other names: c.3262A>G, p.Ile1088Val (NM_001306079.2); short protein forms I1151V, I1088V.
Identifiers: ClinVar variation 2762107 (VCV002762107.3), dbSNP rs2465332658, ClinGen allele CA346215583.
Genomic context (GRCh38, chr2:27,234,059, plus strand): 5'-CCCCGCTAGGAGATTGACGTGGATGCCGTGGCCTCTGATGGTGTGGTGGCAGCCATCGCC[A>G]TCTCTGAGCATGTGGAGAATGCAGGTGTGCATTCAGGTGATGCGACGCTGGTGACCCCCC-3'
Protein context (NP_004332.2, residues 1141-1161): ASDGVVAAIA[Ile1151Val]SEHVENAGVH

ClinVar aggregate classification (germline): Uncertain significance (1 of 4 stars; one submission).

Submission:

Labcorp Genetics (formerly Invitae), Labcorp
Classification: Uncertain significance. Last evaluated: 2024-10-24. Review status: criteria provided, single submitter. Criteria: Invitae Variant Classification Sherloc (09022015). Collection method: clinical testing. Allele origin: germline.
Comment: This sequence change replaces isoleucine, which is neutral and non-polar, with valine, which is neutral and non-polar, at codon 1151 of the CAD protein (p.Ile1151Val). This variant is not present in population databases (gnomAD no frequency). This variant has not been reported in the literature in individuals affected with CAD-related conditions. Invitae Evidence Modeling of protein sequence and biophysical properties (such as structural, functional, and spatial information, amino acid conservation, physicochemical variation, residue mobility, and thermodynamic stability) indicates that this missense variant is not expected to disrupt CAD protein function with a negative predictive value of 80%. In summary, the available evidence is currently insufficient to determine the role of this variant in disease. Therefore, it has been classified as a Variant of Uncertain Significance.